The following is an entry in ClinVar:

NM_000518.4(HBB):c.266T>C (p.Leu89Pro)

Genes: HBB (hemoglobin subunit beta; minus strand), LOC106099062 (HBB recombination region; plus strand), LOC107133510 (origin of replication at HBB; plus strand). Cytogenetic location: 11p15.4.
Variant type: single nucleotide variant.
Coding change: c.266T>C on transcript NM_000518.4; coding-DNA position 266, T replaced by C.
Protein change: p.Leu89Pro; replaces leucine 89 with proline.
Molecular consequence: missense variant (on NM_000518.5).
Genome position (GRCh38, 1-based): chr11:5,226,626, A>G on the plus strand (T>C on the coding strand, the complement: HBB is on the minus strand). VCF-style: chr11-5226626-A-G. GRCh37 (hg19) VCF-style: chr11-5247856-A-G.
Other names: L88P; c.266T>C, p.Leu89Pro (NM_000518.5); short protein forms L89P.
Identifiers: ClinVar variation 15343 (VCV000015343.14), dbSNP rs33940204, ClinGen allele CA125149.

ClinVar aggregate classification (germline): Pathogenic/Likely pathogenic. Review status: criteria provided, multiple submitters, no conflicts (2 of 4 stars). 5 submissions from 5 submitters: Pathogenic (2); Likely pathogenic (2). 1 of the submissions does not count toward it. Last evaluated 2023-03-21.

Conditions:
Beta-thalassemia HBB/LCRB. Identifiers: MedGen CN322236, MONDO:0013517, OMIM 613985.
HEMOGLOBIN SANTA ANA.
HBB-related disorder. Also called: HBB-related condition; HBB-related disorders. Identifiers: MedGen CN239378.

Submissions (5):

Blueprint Genetics
Classification: Pathogenic for HBB-related disorders. Last evaluated: 2023-03-21. Review status: criteria provided, single submitter. Criteria: ACMG Guidelines, 2015. Collection method: clinical testing. Allele origin: germline. Affected: yes. Observed: 4 variant alleles.

Laboratorio de Genetica e Diagnostico Molecular, Hospital Israelita Albert Einstein
Classification: Likely pathogenic for Beta-thalassemia HBB/LCRB. Last evaluated: 2022-09-27. Review status: criteria provided, single submitter. Criteria: ACMG Guidelines, 2015. Collection method: clinical testing. Allele origin: germline. Affected: yes. Observed: 1 variant allele.
Comment: ACMG classification criteria: PS3 supporting, PS4 moderated, PM2 moderated, PM6 moderated, PP3 supporting

Revvity Omics, Revvity
Classification: Likely pathogenic. Last evaluated: 2021-09-02. Review status: criteria provided, single submitter. Criteria: ACMG Guidelines, 2015. Collection method: clinical testing. Allele origin: germline.

ARUP Laboratories, Molecular Genetics and Genomics, ARUP Laboratories
Classification: Pathogenic. Last evaluated: 2017-10-01. Review status: criteria provided, single submitter. Criteria: ARUP Molecular Germline Variant Investigation Process. Collection method: clinical testing. Allele origin: germline.
Comment: The Hb Santa Ana variant (HBB: c.266T>C; Leu88Pro) (rs33940204) has been reported in a heterozygous state in multiple individuals with hemolytic anemia, jaundice and splenomegaly (Fairbanks 1969, Opfell 1968, HbVar database and references therein). It has also been reported as a de-novo alteration in an affected individual, which co-segregated with clinical symptoms in the subsequent generation (Opfell 1968). Functional characterization of the variant hemoglobin indicates reduced stability and increased formation of inclusion bodies, while tetramers containing the variant hemoglobin are bound to two heme groups instead of four (Opfell 1968). Another missense variant at this position, Leu88Arg, has also been implicated as an unstable hemoglobin resulting in similar clinical symptoms when found in a heterozygous state (Hollender 1969). The Leu88Pro variant is listed in ClinVar (Variation ID: 15343), but is not observed in the general population databases (1000 Genomes Project, Exome Variant Server, Genome Aggregation Database). The leucine at position 88 is highly conserved (Alamut v2.10), and is located in the heme-binding pocket of the protein (Hollender 1969, Opfell 1968). Computational algorithms (Align GVGD, Mutation Taster, PolyPhen-2, SIFT) predict that the Leu88Pro variant has an impact on HBB protein structure or function. Based on the above information, the Hb Santa Ana variant is classified as pathogenic. References: Link to HbVar database for Hb Santa Ana: Fairbanks V et al. Three families with unstable hemoglobinopathies (KÃ¶ln, Olmsted and Santa Ana) causing hemolytic anemia with inclusion bodies and pigmenturia. Am J Med. 1969; 46(3):344-59. Hollender A et al. New unstable haemoglobin borÃ¥s: beta 88 (F4) leucine-arginine. Nature. 1969; 222(5197):953-5. Opfell R et al. Hereditary non-spherocytic haemolytic anaemia with post-splenectomy inclusion bodies and pigmenturia caused by an unstable haemoglobin Santa Ana-beta-88 (F4) leucine--proline. J Med Genet. 1968; 5(4):292-7.

OMIM
Classification: other for HEMOGLOBIN SANTA ANA. Last evaluated: 2017-12-12. Review status: no assertion criteria provided. Collection method: literature only. Allele origin: germline. Not counted in ClinVar's aggregate classification.

Literature cited by the submitters: PubMed 5713642 (cited by OMIM); PubMed 3839771 (cited by OMIM).